The following is an entry in ClinVar:

NM_019109.5(ALG1):c.991C>T (p.Arg331Cys)

Gene: ALG1 (ALG1 chitobiosyldiphosphodolichol beta-mannosyltransferase; plus strand). Cytogenetic location: 16p13.3.
Variant type: single nucleotide variant.
Coding change: c.991C>T on transcript NM_019109.5 (MANE Select); coding-DNA position 991, C replaced by T.
Protein change: p.Arg331Cys; replaces arginine 331 with cysteine.
Molecular consequence: missense variant.
Genome position (GRCh38, 1-based): chr16:5,080,975, C>T. VCF-style: chr16-5080975-C-T. GRCh37 (hg19) VCF-style: chr16-5130976-C-T.
Other names: c.658C>T, p.Arg220Cys (NM_001330504.2); short protein forms R220C, R331C.
Identifiers: ClinVar variation 1326389 (VCV001326389.10), dbSNP rs148933850, ClinGen allele CA7890162.

ClinVar aggregate classification (germline): Conflicting classifications of pathogenicity. Review status: criteria provided, conflicting classifications (1 of 4 stars). 3 submissions from 3 submitters: Uncertain significance (2); Likely benign (1). Last evaluated 2026-01-19.

Conditions:
Inborn genetic diseases. Identifiers: MedGen C0950123, MeSH D030342.
ALG1-congenital disorder of glycosylation. Also called: CONGENITAL DISORDER OF GLYCOSYLATION, TYPE Ik; CDG Ik; ALG1-CDG. Identifiers: Orphanet 79327, MedGen C2931005, MONDO:0012052, OMIM 608540.

Allele frequency attached by ClinVar (database versions not stated): gnomAD exomes 0.00006 and 0.00012; ExAC 0.00011; gnomAD 0.00046 and 0.00052; ESP Exome Variant Server 0.00053; TOPMed 0.00059; 1000 Genomes Project 0.00060; 1000 Genomes Project 30x 0.00062.
gnomAD v4.1: 156 of 1,596,380 alleles (0.0098%); highest among the groups gnomAD compares: African/African-American, 0.18%; 1 homozygote.

Submissions (3):

Labcorp Genetics (formerly Invitae), Labcorp
Classification: Likely benign for ALG1-congenital disorder of glycosylation. Last evaluated: 2026-01-19. Review status: criteria provided, single submitter. Criteria: Invitae Variant Classification Sherloc (09022015). Collection method: clinical testing. Allele origin: germline.

Ambry Genetics
Classification: Uncertain significance for Inborn genetic diseases. Last evaluated: 2023-12-26. Review status: criteria provided, single submitter. Criteria: Ambry Variant Classification Scheme 2023. Collection method: clinical testing. Allele origin: germline.

GeneDx
Classification: Uncertain significance. Last evaluated: 2021-05-26. Review status: criteria provided, single submitter. Criteria: GeneDx Variant Classification Process June 2021. Collection method: clinical testing. Allele origin: germline. Affected: yes.
Comment: In silico analysis supports that this missense variant has a deleterious effect on protein structure/function; Has not been previously published as pathogenic or benign to our knowledge